The following is an entry in ClinVar:

NM_018082.6(POLR3B):c.175A>G (p.Met59Val)

Gene: POLR3B (RNA polymerase III subunit B; plus strand). Cytogenetic location: 12q23.3.
Variant type: single nucleotide variant.
Coding change: c.175A>G on transcript NM_018082.6 (MANE Select); coding-DNA position 175, A replaced by G.
Protein change: p.Met59Val; replaces methionine 59 with valine.
Molecular consequence: missense variant. On other transcripts: initiator codon variant (1).
Genome position (GRCh38, 1-based): chr12:106,366,670, A>G. VCF-style: chr12-106366670-A-G. GRCh37 (hg19) VCF-style: chr12-106760448-A-G.
Other names: c.1A>G, p.Met1Val (NM_001160708.2); short protein forms M1V, M59V.
Identifiers: ClinVar variation 4527653 (VCV004527653.1).

ClinVar aggregate classification (germline): Uncertain significance (1 of 4 stars; one submission).

gnomAD v4.1: 1 of 1,613,642 alleles (0.000062%); highest among the groups gnomAD compares: Non-Finnish European, 0.000085%; no homozygotes.

Submission:

GeneDx
Classification: Uncertain significance. Last evaluated: 2025-05-01. Review status: criteria provided, single submitter. Criteria: GeneDx Variant Classification Process June 2021. Collection method: clinical testing. Allele origin: germline. Affected: yes.
Comment: Not observed at significant frequency in large population cohorts (gnomAD); In silico analysis suggests that this missense variant does not alter protein structure/function; Has not been previously published as pathogenic or benign to our knowledge